The following is an entry in ClinVar:

NM_016239.4(MYO15A):c.6274-10C>T

Gene: MYO15A (myosin XVA; plus strand). Cytogenetic location: 17p11.2.
Variant type: single nucleotide variant.
Coding change: c.6274-10C>T on transcript NM_016239.4 (MANE Select); 10 bases into the intron before coding-DNA position 6274, C replaced by T.
Molecular consequence: intron variant.
Genome position (GRCh38, 1-based): chr17:18,145,862, C>T. VCF-style: chr17-18145862-C-T. GRCh37 (hg19) VCF-style: chr17-18049176-C-T.
Identifiers: ClinVar variation 322155 (VCV000322155.17), dbSNP rs201459354, ClinGen allele CA8424553.

ClinVar aggregate classification (germline): Conflicting classifications of pathogenicity. Review status: criteria provided, conflicting classifications (1 of 4 stars). 5 submissions from 5 submitters: Uncertain significance (1); Benign (2); Likely benign (2). Last evaluated 2026-01-26.

Conditions:
Autosomal recessive nonsyndromic hearing loss 3. Also called: NEUROSENSORY NONSYNDROMIC RECESSIVE DEAFNESS 3. Identifiers: Orphanet 90636, MedGen C1838263, MONDO:0010860, OMIM 600316.
MYO15A-related disorder. Also called: MYO15A-related condition.

Allele frequency attached by ClinVar (database versions not stated): ESP Exome Variant Server 0.00016; gnomAD 0.00022 and 0.00039; TOPMed 0.00025; 1000 Genomes Project 0.00040; 1000 Genomes Project 30x 0.00047; gnomAD exomes 0.00058 and 0.00094; ExAC 0.00100.
gnomAD v4.1: 911 of 1,612,448 alleles (0.056%); highest among the groups gnomAD compares: South Asian, 0.57%; 9 homozygotes.

Submissions (5):

Labcorp Genetics (formerly Invitae), Labcorp
Classification: Benign. Last evaluated: 2026-01-26. Review status: criteria provided, single submitter. Criteria: Invitae Variant Classification Sherloc (09022015). Collection method: clinical testing. Allele origin: germline.

Blueprint Genetics
Classification: Likely benign. Last evaluated: 2024-11-22. Review status: criteria provided, single submitter. Criteria: ACMG Guidelines, 2015. Collection method: clinical testing. Allele origin: germline.

PreventionGenetics, part of Exact Sciences
Classification: Likely benign for MYO15A-related condition. Last evaluated: 2024-11-09. Review status: criteria provided, single submitter. Criteria: ACMG Guidelines, 2015. Collection method: clinical testing. Allele origin: germline.
Comment: This variant is classified as likely benign based on ACMG/AMP sequence variant interpretation guidelines (Richards et al. 2015 PMID: 25741868, with internal and published modifications).

Illumina Laboratory Services, Illumina
Classification: Uncertain significance for Autosomal recessive nonsyndromic hearing loss 3. Last evaluated: 2018-01-13. Review status: criteria provided, single submitter. Criteria: ICSL Variant Classification Criteria 13 December 2019. Collection method: clinical testing. Allele origin: germline.

Laboratory for Molecular Medicine, Mass General Brigham Personalized Medicine
Classification: Benign. Last evaluated: 2016-07-19. Review status: criteria provided, single submitter. Criteria: LMM Criteria. Collection method: clinical testing. Allele origin: germline. Observed: 1 variant allele.
Comment: c.6274-10C>T in intron 29 of MYO15A: This variant is not expected to have clinic al significance because it has been identified in 0.5% (82/15284) of South Asian chromosomes by the Exome Aggregation Consortium (ExAC; dbSNP rs201459354) and because a C>T at this position does not divert fr om splice consensus.